The following is an entry in ClinVar:

ClinVar aggregate classification (germline): Uncertain significance (1 of 4 stars; one submission).

Conditions:
Multiple epiphyseal dysplasia type 4 (EDM4). Also called: MULTIPLE EPIPHYSEAL DYSPLASIA WITH BILAYERED PATELLAE; MULTIPLE EPIPHYSEAL DYSPLASIA WITH CLUBFOOT; MULTIPLE EPIPHYSEAL DYSPLASIA, AUTOSOMAL RECESSIVE; Multiple Epiphyseal Dysplasia, Recessive; SLC26A2-Related Multiple Epiphyseal Dysplasia. Identifiers: Orphanet 93307, MedGen C1847593, MONDO:0009189, OMIM 226900.

Submission:

MVZ Medizinische Genetik Mainz
Classification: Uncertain significance for Multiple epiphyseal dysplasia type 4. Last evaluated: 2026-09-18. Review status: criteria provided, single submitter. Criteria: UK Practice Guidelines For Variant Classification V4 01 2020. Collection method: clinical testing. Allele origin: germline. Inheritance: Autosomal recessive inheritance. Affected: yes. Observed: 1 variant allele.
Comment: ACMG Criteria: PM2_SUP,PM4_SUP,PP3

NM_000112.4(SLC26A2):c.1401CCT[1] (p.Leu469del)

Gene: SLC26A2 (solute carrier family 26 member 2; plus strand). Cytogenetic location: 5q32.
Variant type: Microsatellite.
Coding change: c.1401CCT[1] on transcript NM_000112.4 (MANE Select); one copy of the 3-base unit CCT starting at c.1401; the reference has two copies in a row; one copy, 3 bases deleted.
Protein change: p.Leu469del; deletes leucine 469.
Molecular consequence: inframe deletion.
Genome position (GRCh38, 1-based): chr5:149,980,997-149,980,999, CCT deleted; deleting any 3 consecutive bases within chr5:149,980,993-149,980,999 gives the same sequence; the position shown is the placement nearest the transcript's 3' end. VCF-style (leftmost placement, unchanged base first): chr5-149980992-GTCC-G. GRCh37 (hg19) VCF-style: chr5-149360555-GTCC-G.
Other names: short protein forms L469del.
Identifiers: ClinVar variation 5038259 (VCV005038259.1).